The following is an entry in ClinVar:

NC_000002.11:g.(11955367_11959609)_(11960641_11964757)del

Gene: LPIN1 (lipin 1; plus strand). Cytogenetic location: 2p25.1.
Variant type: Deletion.
Identifiers: ClinVar variation 4535990 (VCV004535990.1).

ClinVar aggregate classification (germline): Uncertain significance (1 of 4 stars; one submission).

Submission:

Women's Health and Genetics/Laboratory Corporation of America, LabCorp
Classification: Uncertain significance. Last evaluated: 2025-09-24. Review status: criteria provided, single submitter. Criteria: LabCorp Variant Classification Summary - May 2015. Collection method: clinical testing. Allele origin: germline.
Comment: Variant summary: The variant involves the deletion of exons 18-19 in the LPIN1 gene. A presumed nomenclature of c.(2294+1_2295-1)_(2513+1_2514-1)del has been designated for the purposes of this classification. This Copy Number Variant (CNV) is predicted to result in an in-frame deletion within this gene. A deletion variant which encompasses exons 18-19 was found at a frequency of 1.7e-05 in 120780 control chromosomes in the gnomAD database (Structural Variants v4.1 dataset). The deletion of exons 18-19 has been reported in individual(s) with clinical features of myoglobinuria (Labcorp Genetics (formerly Invitae), internal data). In addition, an overlapping intragenic deletion, c.2295-866_2410-30del, which corresponds to the deletion of exon 18 (but not exon 19) has been frequently reported in patients (e.g. Michot2010, Pizzamiglio2020), and these reports described that this deletion unexpectedly resulted in a cDNA lacking both exons 18 and 19 (described as p.Glu766_Ser838del; i.e. an in-frame deletion equivalent to the predicted effect of the variant of interest). Multiple publications reported experimental evidence evaluating the effect of this common intragenic deletion on protein function, and demonstrated that the cDNA lacking both exons 18 and 19 was unable to complement yeast for growth, and was poorly expressed (i.e. very little protein synthesized) when transfected into HEK293 cells (e.g. Michot2010, Schweitzer2015), which agreed with the dramatically reduced levels of lipin-1 in patients who had this frequent deletion (Pelosi_2017). The following publications have been ascertained in the context of this evaluation (PMID: 20583302, 32522502, 25967228, 28986436). ClinVar contains an entry for this variant (Variation ID: 1348044). Based on the evidence outlined above, the variant was classified as VUS-possibly pathogenic.

Literature cited by the submitters: PubMed 20583302; PubMed 28986436; PubMed 32522502; PubMed 25967228.